The following is an entry in ClinVar:

ClinVar aggregate classification (germline): Uncertain significance (1 of 4 stars; one submission).

Conditions:
Hereditary nonpolyposis colorectal neoplasms. Identifiers: MedGen C0009405, MeSH D003123.

Submission:

Labcorp Genetics (formerly Invitae), Labcorp
Classification: Uncertain significance for Hereditary nonpolyposis colorectal neoplasms. Last evaluated: 2020-03-03. Review status: criteria provided, single submitter. Criteria: Invitae Variant Classification Sherloc (09022015). Collection method: clinical testing. Allele origin: germline.
Comment: This variant is not present in population databases (ExAC no frequency). In summary, the available evidence is currently insufficient to determine the role of this variant in disease. Therefore, it has been classified as a Variant of Uncertain Significance. Nucleotide substitutions within the consensus splice site are a relatively common cause of aberrant splicing (PMID: 17576681, 9536098). Algorithms developed to predict the effect of sequence changes on RNA splicing suggest that this variant may disrupt the consensus splice site, but this prediction has not been confirmed by published transcriptional studies. This variant has not been reported in the literature in individuals with MSH6-related conditions. This sequence change falls in intron 6 of the MSH6 gene. It does not directly change the encoded amino acid sequence of the MSH6 protein, but it affects a nucleotide within the consensus splice site of the intron.

Literature cited by the submitters: PubMed 17576681; PubMed 9536098.

NM_000179.3(MSH6):c.3557-3A>G

Gene: MSH6 (mutS homolog 6; plus strand). Cytogenetic location: 2p16.3.
Variant type: single nucleotide variant.
Coding change: c.3557-3A>G on transcript NM_000179.3 (MANE Select); 3 bases into the intron before coding-DNA position 3557, A replaced by G.
Molecular consequence: intron variant.
Genome position (GRCh38, 1-based): chr2:47,805,615, A>G. VCF-style: chr2-47805615-A-G. GRCh37 (hg19) VCF-style: chr2-48032754-A-G.
Other names: c.2651-3A>G (NM_001281493.2, NM_001281494.2); c.3167-3A>G (NM_001281492.2).
Identifiers: ClinVar variation 1043300 (VCV001043300.9), dbSNP rs41295274, ClinGen allele CA2496053452.
Genomic context (GRCh38, chr2:47,805,615, plus strand): 5'-AGATGAATTTATGTAATATGATTTGCAAAATGAGTATTCATTTGTGATTTTTTTTTTTTT[A>G]AGGTGAAAGTACATTTTTTGTTGAATTAAGTGAAACTGCCAGCATACTCATGCATGCAAC-3'